The following is an entry in ClinVar:

NM_021939.4(FKBP10):c.963_967dup (p.Ile323fs)

Gene: FKBP10 (FKBP prolyl isomerase 10; plus strand). Cytogenetic location: 17q21.2.
Variant type: Duplication.
Coding change: c.963_967dup on transcript NM_021939.4 (MANE Select); coding-DNA positions 963 to 967, 5 bases duplicated (CATCA; older notation c.963_967dupCATCA).
Protein change: p.Ile323fs; shifts the reading frame from isoleucine 323.
Molecular consequence: frameshift variant.
Genome position (GRCh38, 1-based): chr17:41,819,575-41,819,579, CATCA duplicated; duplicating any 5 consecutive bases within chr17:41,819,574-41,819,579 gives the same sequence; the c. name uses the placement nearest the transcript's 3' end. VCF-style (leftmost placement, unchanged base first): chr17-41819573-T-TACATC. GRCh37 (hg19) VCF-style: chr17-39975825-T-TACATC.
Other names: short protein forms I323fs.
Identifiers: ClinVar variation 2696499 (VCV002696499.3), dbSNP rs2544437740, ClinGen allele CA2697559858.

ClinVar aggregate classification (germline): Pathogenic (1 of 4 stars; one submission).

Submission:

Labcorp Genetics (formerly Invitae), Labcorp
Classification: Pathogenic. Last evaluated: 2023-11-17. Review status: criteria provided, single submitter. Criteria: Invitae Variant Classification Sherloc (09022015). Collection method: clinical testing. Allele origin: germline.
Comment: This sequence change creates a premature translational stop signal (p.Ile323Thrfs*44) in the FKBP10 gene. It is expected to result in an absent or disrupted protein product. Loss-of-function variants in FKBP10 are known to be pathogenic (PMID: 22689593, 22949511). This variant is not present in population databases (gnomAD no frequency). This variant has not been reported in the literature in individuals affected with FKBP10-related conditions. Algorithms developed to predict the effect of sequence changes on RNA splicing suggest that this variant may disrupt the consensus splice site. For these reasons, this variant has been classified as Pathogenic.

Literature cited by the submitters: PubMed 22689593; PubMed 22949511.